The following is an entry in ClinVar:

NM_001943.5(DSG2):c.2001+211C>T

Gene: DSG2 (desmoglein 2; plus strand). Cytogenetic location: 18q12.1.
Variant type: single nucleotide variant.
Coding change: c.2001+211C>T on transcript NM_001943.5 (MANE Select); 211 bases into the intron after coding-DNA position 2001, C replaced by T.
Molecular consequence: intron variant.
Genome position (GRCh38, 1-based): chr18:31,541,525, C>T. VCF-style: chr18-31541525-C-T. GRCh37 (hg19) VCF-style: chr18-29121488-C-T.
Identifiers: ClinVar variation 672202 (VCV000672202.1), dbSNP rs2290128, ClinGen allele CA297699793.

ClinVar aggregate classification (germline): Benign (1 of 4 stars; one submission).

Allele frequency attached by ClinVar (database versions not stated): TOPMed 0.20908; gnomAD 0.21348 and 0.21880; 1000 Genomes Project 30x 0.22861; 1000 Genomes Project 0.23602.

Submission:

GeneDx
Classification: Benign. Last evaluated: 2018-06-15. Review status: criteria provided, single submitter. Criteria: GeneDx Variant Classification (06012015). Collection method: clinical testing. Allele origin: germline. Affected: yes.
Comment: This variant is considered likely benign or benign based on one or more of the following criteria: it is a conservative change, it occurs at a poorly conserved position in the protein, it is predicted to be benign by multiple in silico algorithms, and/or has population frequency not consistent with disease.